The following is an entry in ClinVar:

NM_152542.5(PPM1K):c.475C>G (p.Leu159Val)

Gene: PPM1K (protein phosphatase, Mg2+/Mn2+ dependent 1K; minus strand). Cytogenetic location: 4q22.1.
Variant type: single nucleotide variant.
Coding change: c.475C>G on transcript NM_152542.5 (MANE Select); coding-DNA position 475, C replaced by G.
Protein change: p.Leu159Val; replaces leucine 159 with valine.
Molecular consequence: missense variant.
Genome position (GRCh38, 1-based): chr4:88,277,209, G>C on the plus strand (C>G on the coding strand, the complement: PPM1K is on the minus strand). VCF-style: chr4-88277209-G-C. GRCh37 (hg19) VCF-style: chr4-89198361-G-C.
Other names: short protein forms L159V.
Identifiers: ClinVar variation 860430 (VCV000860430.9), dbSNP rs147734869, ClinGen allele CA3005279.
Genomic context (GRCh38, chr4:88,277,209, plus strand): 5'-CAGACAGGCGGGCATGACTCGAAAAGGCTTTATCTATTTCTAGAAAAGCCAAGGTCAACA[G>C]AGTTTCCAAGTTCTTCTCCTTAGGAAGCAAATCCCTTTGTGGGGAGGAAAAAAAGAGCCT-3'
Protein context (NP_689755.3, residues 149-169): LLPKEKNLET[Leu159Val]LTLAFLEIDK

ClinVar aggregate classification (germline): Uncertain significance (1 of 4 stars; one submission).

Conditions:
Maple syrup urine disease, mild variant (MSUDMV). Identifiers: Orphanet 511, MedGen C3554575, MONDO:0014057, OMIM 615135.

Allele frequency attached by ClinVar (database versions not stated): gnomAD 0.00001; ExAC 0.00003; gnomAD exomes 0.00003 and 0.00004; TOPMed 0.00003; ESP Exome Variant Server 0.00008.

Submission:

Labcorp Genetics (formerly Invitae), Labcorp
Classification: Uncertain significance for Maple syrup urine disease, mild variant. Last evaluated: 2025-05-04. Review status: criteria provided, single submitter. Criteria: Invitae Variant Classification Sherloc (09022015). Collection method: clinical testing. Allele origin: germline.
Comment: This sequence change replaces leucine, which is neutral and non-polar, with valine, which is neutral and non-polar, at codon 159 of the PPM1K protein (p.Leu159Val). This variant is present in population databases (rs147734869, gnomAD 0.007%). This variant has not been reported in the literature in individuals affected with PPM1K-related conditions. ClinVar contains an entry for this variant (Variation ID: 860430). An algorithm developed to predict the effect of missense changes on protein structure and function outputs the following: PolyPhen-2: "Benign". The valine amino acid residue is found in multiple mammalian species, which suggests that this missense change does not adversely affect protein function. In summary, the available evidence is currently insufficient to determine the role of this variant in disease. Therefore, it has been classified as a Variant of Uncertain Significance.